The following is an entry in ClinVar:

ClinVar aggregate classification (germline): Conflicting classifications of pathogenicity. Review status: criteria provided, conflicting classifications (1 of 4 stars). 13 submissions from 12 submitters: Likely pathogenic (1); Uncertain significance (12). Last evaluated 2026-07-23.

Conditions:
CHEK2-related disorder.
Predisposition to cancer.
Hereditary cancer-predisposing syndrome. Also called: Neoplastic Syndromes, Hereditary; Tumor predisposition; Hereditary Cancer Syndrome; Hereditary neoplastic syndrome. Identifiers: Orphanet 140162, MedGen C0027672, MeSH D009386, MONDO:0015356.
Hereditary breast ovarian cancer syndrome. Also called: BRCA1- and BRCA2-Associated Hereditary Breast and Ovarian Cancer; Hereditary breast and ovarian cancer; Hereditary breast and ovarian cancer syndrome; Hereditary breast and ovarian cancer syndrome (HBOC); Breast and ovarian cancer; Hereditary breast and/or ovarian cancer syndrome. Identifiers: Orphanet 145, MedGen C0677776, MeSH D061325, MONDO:0003582. Disease mechanism: loss of function.
CHEK2-related cancer predisposition (TPDS4). Also called: CHEK2-related cancer susceptibility; TUMOR PREDISPOSITION SYNDROME 4; CANCER PREDISPOSITION SYNDROME, CHEK2-RELATED. Identifiers: Orphanet 524, MedGen C5882668, MONDO:0700271, OMIM 609265.
Familial cancer of breast. Also called: hereditary breast carcinoma; Hereditary breast cancer; BREAST CANCER, FAMILIAL. Identifiers: Orphanet 227535, MedGen C0346153, MONDO:0016419, OMIM 114480. Disease mechanism: loss of function.

Allele frequency attached by ClinVar (database versions not stated): gnomAD 0.00001; TOPMed 0.00001.
gnomAD v4.1: 7 of 1,613,994 alleles (0.00043%); highest among the groups gnomAD compares: Admixed American, 0.012%; no homozygotes.

Submissions 1 to 9 of 13:

PreventionGenetics, part of Exact Sciences
Classification: Uncertain significance for CHEK2-related condition. Last evaluated: 2026-07-23. Review status: criteria provided, single submitter. Criteria: ACMG Guidelines, 2015. Collection method: clinical testing. Allele origin: germline.
Comment: The CHEK2 c.479T>G variant is predicted to result in the amino acid substitution p.Ile160Arg. This variant was reported in an individual diagnosed with breast cancer and in an unaffected control (Supplemental Table 3, Weitzel et al. 2019. PubMed ID: 31206626). In a functional assay using yeast cells, this alteration was reported to have a damaging effect on CHEK2 activity (Delimitsou et al. 2019. PubMed ID: 30851065). Alternate substitutions of the same amino acid (p.Ile160Thr, p.Ile160Met) were reported to have either a damaging or benign effect on CHEK2 activity, respectively (Delimitsou et al. 2019. PubMed ID: 30851065). This variant is reported in 0.012% of alleles in individuals of Latino descent in gnomAD and has conflicting interpretations regarding its pathogenicity in ClinVar, ranging from uncertain to likely pathogenic (Variation ID: 128076). At this time, the clinical significance of this variant is uncertain due to the absence of conclusive functional and genetic evidence.

German Consortium for Hereditary Breast and Ovarian Cancer, University Hospital Cologne
Classification: Uncertain significance for Hereditary breast ovarian cancer syndrome. Last evaluated: 2026-06-09. Review status: criteria provided, single submitter. Criteria: ACMG SVI. Collection method: curation. Allele origin: germline.
Comment: This classification follows the ACMG SVI adaptation classification scheme; We chose these criteria: PS3 (strong pathogenic): Delimitsou (2019, PMID: 30851065): damaging Stolarova (2023, PMID: 37449874): CHK2 & KAP1-assay: functionally-impaired, PP3 (supporting pathogenic): REVEL: 0.914

Myriad Genetics, Inc.
Classification: Likely pathogenic for Familial cancer of breast. Last evaluated: 2026-03-17. Review status: criteria provided, single submitter. Criteria: Myriad Autosomal Dominant, Autosomal Recessive and X-Linked Classification Criteria (2023). Collection method: clinical testing. Allele origin: unknown.
Comment: This variant is considered likely pathogenic. Functional studies indicate this variant impacts protein function [PMID: 37449874]. This variant is expected to disrupt protein structure [Myriad internal data]. This variant is strongly associated with more severe personal and family histories of cancer, typical for individuals with pathogenic variants in this gene [PMID: 25085752].

Labcorp Genetics (formerly Invitae), Labcorp
Classification: Uncertain significance for Familial cancer of breast. Last evaluated: 2026-01-17. Review status: criteria provided, single submitter. Criteria: Invitae Variant Classification Sherloc (09022015). Collection method: clinical testing. Allele origin: germline.
Comment: This sequence change replaces isoleucine, which is neutral and non-polar, with arginine, which is basic and polar, at codon 160 of the CHEK2 protein (p.Ile160Arg). This variant is present in population databases (rs72552323, gnomAD 0.01%). This missense change has been observed in individual(s) with breast cancer (PMID: 31206626). ClinVar contains an entry for this variant (Variation ID: 128076). An algorithm developed to predict the effect of missense changes on protein structure and function (PolyPhen-2) suggests that this variant is likely to be disruptive. Experimental studies have shown that this missense change affects CHEK2 function (PMID: 30851065, 37448974). RNA analysis performed to evaluate the impact of this missense change on mRNA splicing indicates it does not significantly alter splicing (internal data). In summary, the available evidence is currently insufficient to determine the role of this variant in disease. Therefore, it has been classified as a Variant of Uncertain Significance.

Women's Health and Genetics/Laboratory Corporation of America, LabCorp
Classification: Uncertain significance. Last evaluated: 2025-11-10. Review status: criteria provided, single submitter. Criteria: LabCorp Variant Classification Summary - May 2015. Collection method: clinical testing. Allele origin: germline.
Comment: Variant summary: CHEK2 c.479T>G (p.Ile160Arg) results in a non-conservative amino acid change in the encoded protein sequence. Algorithms developed to predict the effect of missense changes on protein structure and function all suggest that this variant is likely to be disruptive. The variant allele was found at a frequency of 1.6e-05 in 251410 control chromosomes. The available data on variant occurrences in the general population are insufficient to allow any conclusion about variant significance. To our knowledge, no occurrence of c.479T>G in individuals affected with CHEK2-related conditions and no experimental evidence demonstrating its impact on protein function have been reported. ClinVar contains an entry for this variant (Variation ID: 128076). Based on the evidence outlined above, the variant was classified as uncertain significance.

Quest Diagnostics Nichols Institute San Juan Capistrano
Classification: Uncertain significance. Last evaluated: 2025-10-15. Review status: criteria provided, single submitter. Criteria: Quest Diagnostics criteria. Collection method: clinical testing. Allele origin: unknown.
Comment: The CHEK2 c.479T>G (p.Ile160Arg) variant has been reported in the published literature in an individual with breast cancer and in a reportedly unaffected individual in a large breast cancer study (PMID: 31206626 (2019)). Functional studies demonstrated that this variant had a damaging effect on protein function (PMID: 30851065 (2019), 37449874 (2023)). The frequency of this variant in the general population (Genome Aggregation Database) is uninformative in the assessment of its pathogenicity. Analysis of this variant using bioinformatics tools for the prediction of the effect of amino acid changes on protein structure and function yielded predictions that this variant is damaging. Based on the available information, we are unable to determine the clinical significance of this variant.

GeneDx
Classification: Uncertain significance. Last evaluated: 2025-07-24. Review status: criteria provided, single submitter. Criteria: GeneDx Variant Classification Process June 2021. Collection method: clinical testing. Allele origin: germline. Affected: yes.
Comment: Not observed at significant frequency in large population cohorts (gnomAD); In silico analysis supports that this missense variant has a deleterious effect on protein structure/function; Observed in an individual with breast cancer (PMID: 31206626); This variant is associated with the following publications: (PMID: 19782031, 22419737, 31206626, 30851065, 37449874)

Ambry Genetics
Classification: Uncertain significance for Hereditary cancer-predisposing syndrome. Last evaluated: 2025-07-08. Review status: criteria provided, single submitter. Criteria: Ambry Variant Classification Scheme 2023. Collection method: clinical testing. Allele origin: germline.
Comment: The p.I160R variant (also known as c.479T>G), located in coding exon 3 of the CHEK2 gene, results from a T to G substitution at nucleotide position 479. The isoleucine at codon 160 is replaced by arginine, an amino acid with similar properties. This alteration has been identified in an individual diagnosed with breast cancer (Weitzel JN et al. Cancer, 2019 08;125:2829-2836). This alteration behaved as non-functional in an in vivo, yeast-based growth rate assay (Delimitsou A et al. Hum Mutat, 2019 05;40:631-648). This alteration was also reported as functionally impaired in a study assessing CHEK2-complementation through quantification of KAP1 phosphorylation and CHK2 autophosphorylation in human RPE1-CHEK2-knockout cells (Stolarova L et al. Clin Cancer Res, 2023 Aug;29:3037-3050). This amino acid position is well conserved in available vertebrate species. In addition, this alteration is predicted to be deleterious by in silico analysis. Based on the available evidence, the clinical significance of this variant remains unclear.

Baylor Genetics
Classification: Uncertain significance for Familial cancer of breast. Last evaluated: 2024-02-16. Review status: criteria provided, single submitter. Criteria: ACMG Guidelines, 2015. Collection method: clinical testing. Allele origin: unknown.

NM_007194.4(CHEK2):c.479T>G (p.Ile160Arg)

Gene: CHEK2 (checkpoint kinase 2; minus strand). Cytogenetic location: 22q12.1.
Variant type: single nucleotide variant.
Coding change: c.479T>G on transcript NM_007194.4 (MANE Select); coding-DNA position 479, T replaced by G.
Protein change: p.Ile160Arg; replaces isoleucine 160 with arginine.
Molecular consequence: missense variant. On other transcripts: 5 prime UTR variant (2), intron variant (1).
Genome position (GRCh38, 1-based): chr22:28,725,090, A>C on the plus strand (T>G on the coding strand, the complement: CHEK2 is on the minus strand). VCF-style: chr22-28725090-A-C. GRCh37 (hg19) VCF-style: chr22-29121078-A-C.
Other names: p.I160R:ATA>AGA; c.608T>G, p.Ile203Arg (NM_001005735.3, NM_001438294.1); c.-299T>G (NM_001257387.3); c.-185T>G (NM_001437942.1); c.572T>G, p.Ile191Arg (NM_001438293.1, NM_001438295.1); c.479T>G, p.Ile160Arg (NM_145862.3); c.444+153T>G (NM_001349956.3); short protein forms I160R, I203R, I191R.
Identifiers: ClinVar variation 128076 (VCV000128076.41), dbSNP rs72552323, ClinGen allele CA288310.
Genomic context (GRCh38, chr22:28,725,090, plus strand): 5'-CGTTTTCCTTTCCCTACAAGCTCTGTATTTACAAAGGTTCCATTGCCACTGTGATCTTCT[A>C]TGTATGCAATGTAAGAGTTTTTAGGACCCACTTCCTAAAATAGAGAACATTTTGTTTCAG-3'
Protein context (NP_009125.1, residues 150-170): VGPKNSYIAY[Ile160Arg]EDHSGNGTFV